The following is an entry in ClinVar:

ClinVar aggregate classification (germline): Uncertain significance. Review status: criteria provided, multiple submitters, no conflicts (2 of 4 stars). 4 submissions from 4 submitters: Uncertain significance (4). Last evaluated 2025-10-02.

Conditions:
Inborn genetic diseases. Identifiers: MedGen C0950123, MeSH D030342.
Charcot-Marie-Tooth disease type 2E (CMT2E). Also called: CHARCOT-MARIE-TOOTH DISEASE, AXONAL, TYPE 2E; CHARCOT-MARIE-TOOTH NEUROPATHY, TYPE 2E. Identifiers: Orphanet 99939, MedGen C1843225, MONDO:0011894, OMIM 607684.

Allele frequency attached by ClinVar (database versions not stated): gnomAD exomes 0.00001 and 0.00003; gnomAD 0.00003 and 0.00004; TOPMed 0.00006; ESP Exome Variant Server 0.00008.
gnomAD v4.1: 44 of 1,613,796 alleles (0.0027%); highest among the groups gnomAD compares: African/African-American, 0.013%; no homozygotes.

Submissions (4):

Dasa
Classification: Uncertain significance. Last evaluated: 2025-10-02. Review status: criteria provided, single submitter. Criteria: DASA Assertion Criteria. Collection method: clinical testing. Allele origin: germline.
Comment: NM_006158.5(NEFL):c.1310G>A (p.Arg437His) is a missense variant that results in the substitution of arginine with histidine. This variant is rare in population databases. The currently available literature and clinical evidence are not sufficient to establish a definitive association between this variant and the reported condition. Therefore, this variant is classified as a variant of uncertain significance.

Ambry Genetics
Classification: Uncertain significance for Inborn genetic diseases. Last evaluated: 2024-11-25. Review status: criteria provided, single submitter. Criteria: Ambry Variant Classification Scheme 2023. Collection method: clinical testing. Allele origin: germline.

CeGaT Center for Human Genetics Tuebingen
Classification: Uncertain significance. Last evaluated: 2024-02-01. Review status: criteria provided, single submitter. Criteria: CeGaT Center For Human Genetics Tuebingen Variant Classification Criteria Version 2. Collection method: clinical testing. Allele origin: germline. Affected: yes. Observed: 1 variant allele.
Comment: NEFL: PM2

Labcorp Genetics (formerly Invitae), Labcorp
Classification: Uncertain significance for Charcot-Marie-Tooth disease type 2E. Last evaluated: 2023-07-16. Review status: criteria provided, single submitter. Criteria: Invitae Variant Classification Sherloc (09022015). Collection method: clinical testing. Allele origin: germline.
Comment: Advanced modeling of protein sequence and biophysical properties (such as structural, functional, and spatial information, amino acid conservation, physicochemical variation, residue mobility, and thermodynamic stability) has been performed at Invitae for this missense variant, however the output from this modeling did not meet the statistical confidence thresholds required to predict the impact of this variant on NEFL protein function. ClinVar contains an entry for this variant (Variation ID: 1517481). This variant has not been reported in the literature in individuals affected with NEFL-related conditions. This variant is present in population databases (rs369991241, gnomAD 0.01%). This sequence change replaces arginine, which is basic and polar, with histidine, which is basic and polar, at codon 437 of the NEFL protein (p.Arg437His). In summary, the available evidence is currently insufficient to determine the role of this variant in disease. Therefore, it has been classified as a Variant of Uncertain Significance.

NM_006158.5(NEFL):c.1310G>A (p.Arg437His)

Gene: NEFL (neurofilament light chain; minus strand). Cytogenetic location: 8p21.2.
Variant type: single nucleotide variant.
Coding change: c.1310G>A on transcript NM_006158.5 (MANE Select); coding-DNA position 1310, G replaced by A.
Protein change: p.Arg437His; replaces arginine 437 with histidine.
Molecular consequence: missense variant.
Genome position (GRCh38, 1-based): chr8:24,953,655, C>T on the plus strand (G>A on the coding strand, the complement: NEFL is on the minus strand). VCF-style: chr8-24953655-C-T. GRCh37 (hg19) VCF-style: chr8-24811169-C-T.
Other names: short protein forms R437H.
Identifiers: ClinVar variation 1517481 (VCV001517481.33), dbSNP rs369991241, ClinGen allele CA4681296.